The following is an entry in ClinVar:

ClinVar aggregate classification (germline): Uncertain significance (1 of 4 stars; one submission).

gnomAD v4.1: 9 of 1,373,852 alleles (0.00066%); highest among the groups gnomAD compares: African/African-American, 0.012%; no homozygotes.

Submission:

Labcorp Genetics (formerly Invitae), Labcorp
Classification: Uncertain significance. Last evaluated: 2025-01-20. Review status: criteria provided, single submitter. Criteria: Invitae Variant Classification Sherloc (09022015). Collection method: clinical testing. Allele origin: germline.
Comment: This sequence change replaces cysteine, which is neutral and slightly polar, with glycine, which is neutral and non-polar, at codon 8 of the TRPC3 protein (p.Cys8Gly). This variant is present in population databases (no rsID available, gnomAD 0.01%). This variant has not been reported in the literature in individuals affected with TRPC3-related conditions. An algorithm developed to predict the effect of missense changes on protein structure and function (PolyPhen-2) suggests that this variant is likely to be tolerated. In summary, the available evidence is currently insufficient to determine the role of this variant in disease. Therefore, it has been classified as a Variant of Uncertain Significance.

NM_001130698.2(TRPC3):c.22T>G (p.Cys8Gly)

Genes: TRPC3 (transient receptor potential cation channel subfamily C member 3; minus strand), LOC129993038 (ATAC-STARR-seq lymphoblastoid silent region 15662; plus strand). Cytogenetic location: 4q27.
Variant type: single nucleotide variant.
Coding change: c.22T>G on transcript NM_001130698.2 (MANE Select); coding-DNA position 22, T replaced by G.
Protein change: p.Cys8Gly; replaces cysteine 8 with glycine.
Molecular consequence: missense variant.
Genome position (GRCh38, 1-based): chr4:121,951,659, A>C on the plus strand (T>G on the coding strand, the complement: TRPC3 is on the minus strand). VCF-style: chr4-121951659-A-C. GRCh37 (hg19) VCF-style: chr4-122872814-A-C.
Other names: c.22T>G, p.Cys8Gly (NM_001366479.2); short protein forms C8G.
Identifiers: ClinVar variation 3618101 (VCV003618101.2).